The following is an entry in ClinVar:

ClinVar aggregate classification (germline): Uncertain significance (1 of 4 stars; one submission).

Allele frequency attached by ClinVar (database versions not stated): TOPMed below 0.00001.

Submission:

Labcorp Genetics (formerly Invitae), Labcorp
Classification: Uncertain significance. Last evaluated: 2023-02-03. Review status: criteria provided, single submitter. Criteria: Invitae Variant Classification Sherloc (09022015). Collection method: clinical testing. Allele origin: germline.
Comment: This sequence change replaces glutamic acid, which is acidic and polar, with alanine, which is neutral and non-polar, at codon 239 of the ARHGEF10 protein (p.Glu239Ala). This variant is not present in population databases (gnomAD no frequency). This variant has not been reported in the literature in individuals affected with ARHGEF10-related conditions. Algorithms developed to predict the effect of missense changes on protein structure and function are either unavailable or do not agree on the potential impact of this missense change (SIFT: "Tolerated"; PolyPhen-2: "Possibly Damaging"; Align-GVGD: "Class C0"). Algorithms developed to predict the effect of sequence changes on RNA splicing suggest that this variant may create or strengthen a splice site. In summary, the available evidence is currently insufficient to determine the role of this variant in disease. Therefore, it has been classified as a Variant of Uncertain Significance.

NM_014629.4(ARHGEF10):c.716A>C (p.Glu239Ala)

Gene: ARHGEF10 (Rho guanine nucleotide exchange factor 10; plus strand). Cytogenetic location: 8p23.3.
Variant type: single nucleotide variant.
Coding change: c.716A>C on transcript NM_014629.4 (MANE Select); coding-DNA position 716, A replaced by C.
Protein change: p.Glu239Ala; replaces glutamic acid 239 with alanine.
Molecular consequence: missense variant.
Genome position (GRCh38, 1-based): chr8:1,876,607, A>C. VCF-style: chr8-1876607-A-C. GRCh37 (hg19) VCF-style: chr8-1824773-A-C.
Other names: c.719A>C, p.Glu240Ala (NM_001308152.2, NM_001308153.3); short protein forms E264A, E239A, E240A.
Identifiers: ClinVar variation 2693761 (VCV002693761.3), dbSNP rs1807725077, ClinGen allele CA369955157.